The following is an entry in ClinVar:

NM_000057.4(BLM):c.2980A>C (p.Thr994Pro)

Gene: BLM (BLM RecQ like helicase; plus strand). Cytogenetic location: 15q26.1.
Variant type: single nucleotide variant.
Coding change: c.2980A>C on transcript NM_000057.4 (MANE Select); coding-DNA position 2980, A replaced by C.
Protein change: p.Thr994Pro; replaces threonine 994 with proline.
Molecular consequence: missense variant.
Genome position (GRCh38, 1-based): chr15:90,790,805, A>C. VCF-style: chr15-90790805-A-C. GRCh37 (hg19) VCF-style: chr15-91334035-A-C.
Other names: c.2980A>C, p.Thr994Pro (NM_001287246.2, NM_001287247.2); c.1855A>C, p.Thr619Pro (NM_001287248.2); short protein forms T994P, T619P.
Identifiers: ClinVar variation 3480916 (VCV003480916.1).
Genomic context (GRCh38, chr15:90,790,805, plus strand): 5'-TACCAAGAATCTGGCAGAGCTGGAAGAGATGGGGAAATATCTCACTGCCTGCTTTTCTAT[A>C]CCTATCATGATGTGACCAGACTGAAAAGACTTATAATGAGTAAGCTGGGCTCCATTGTAG-3'
Protein context (NP_000048.1, residues 984-1004): GEISHCLLFY[Thr994Pro]YHDVTRLKRL

ClinVar aggregate classification (germline): Uncertain significance (1 of 4 stars; one submission).

Conditions:
Hereditary cancer-predisposing syndrome. Also called: Tumor predisposition; Neoplastic Syndromes, Hereditary; Hereditary Cancer Syndrome; Hereditary neoplastic syndrome. Identifiers: Orphanet 140162, MedGen C0027672, MeSH D009386, MONDO:0015356.

Submission:

Ambry Genetics
Classification: Uncertain significance for Hereditary cancer-predisposing syndrome. Last evaluated: 2024-12-10. Review status: criteria provided, single submitter. Criteria: Ambry Variant Classification Scheme 2023. Collection method: clinical testing. Allele origin: germline.
Comment: The p.T994P variant (also known as c.2980A>C), located in coding exon 14 of the BLM gene, results from an A to C substitution at nucleotide position 2980. The threonine at codon 994 is replaced by proline, an amino acid with highly similar properties. This amino acid position is conserved. In addition, the in silico prediction for this alteration is inconclusive. Based on the available evidence, the clinical significance of this variant remains unclear.